The following is an entry in ClinVar:

ClinVar aggregate classification (germline): Uncertain significance. Review status: criteria provided, multiple submitters, no conflicts (2 of 4 stars). 3 submissions from 3 submitters: Uncertain significance (3). Last evaluated 2025-03-26.

Conditions:
Nemaline myopathy 8 (NEM8). Also called: Nemaline myopathy 8, autosomal recessive. Identifiers: Orphanet 171430, MedGen C3809209, MONDO:0014138, OMIM 615348.

Allele frequency attached by ClinVar (database versions not stated): ESP Exome Variant Server 0.00008; gnomAD 0.00009 and 0.00011; ExAC 0.00004; gnomAD exomes 0.00004 and 0.00005; TOPMed 0.00011.
gnomAD v4.1: 101 of 1,613,678 alleles (0.0063%); highest among the groups gnomAD compares: Middle Eastern, 0.28%; no homozygotes.

Submissions (3):

GeneDx
Classification: Uncertain significance. Last evaluated: 2025-03-26. Review status: criteria provided, single submitter. Criteria: GeneDx Variant Classification Process June 2021. Collection method: clinical testing. Allele origin: germline. Affected: yes.
Comment: Reported in a patient with congenital muscular dystrophy in the published literature who also had a variant in another gene that may have been responsible for the phenotype (PMID: 35533453); In silico analysis supports that this missense variant has a deleterious effect on protein structure/function; This variant is associated with the following publications: (PMID: 35533453)

Labcorp Genetics (formerly Invitae), Labcorp
Classification: Uncertain significance for Nemaline myopathy 8. Last evaluated: 2022-07-19. Review status: criteria provided, single submitter. Criteria: Invitae Variant Classification Sherloc (09022015). Collection method: clinical testing. Allele origin: germline.
Comment: This sequence change replaces valine, which is neutral and non-polar, with alanine, which is neutral and non-polar, at codon 452 of the KLHL40 protein (p.Val452Ala). This variant is present in population databases (rs140389534, gnomAD 0.02%). This variant has not been reported in the literature in individuals affected with KLHL40-related conditions. ClinVar contains an entry for this variant (Variation ID: 447661). Algorithms developed to predict the effect of missense changes on protein structure and function are either unavailable or do not agree on the potential impact of this missense change (SIFT: "Deleterious"; PolyPhen-2: "Benign"; Align-GVGD: "Class C0"). In summary, the available evidence is currently insufficient to determine the role of this variant in disease. Therefore, it has been classified as a Variant of Uncertain Significance.

Athena Diagnostics
Classification: Uncertain significance. Last evaluated: 2016-12-13. Review status: criteria provided, single submitter. Criteria: Athena Diagnostics Criteria. Collection method: clinical testing. Allele origin: germline.

NM_152393.4(KLHL40):c.1355T>C (p.Val452Ala)

Gene: KLHL40 (kelch like family member 40; plus strand). Cytogenetic location: 3p22.1.
Variant type: single nucleotide variant.
Coding change: c.1355T>C on transcript NM_152393.4 (MANE Select); coding-DNA position 1355, T replaced by C.
Protein change: p.Val452Ala; replaces valine 452 with alanine.
Molecular consequence: missense variant.
Genome position (GRCh38, 1-based): chr3:42,688,651, T>C. VCF-style: chr3-42688651-T-C. GRCh37 (hg19) VCF-style: chr3-42730143-T-C.
Other names: short protein forms V452A.
Identifiers: ClinVar variation 447661 (VCV000447661.6), dbSNP rs140389534, ClinGen allele CA2336932.
Genomic context (GRCh38, chr3:42,688,651, plus strand): 5'-CCACTCCCGTCTCCTCCAGGTCATTCAAATGGGGTGAATCGGACCCGCTGCCTTACGTGG[T>C]GTATGGCCACACAGTGCTCTCCCACATGGACCTTGTCTACGTAATTGGCGGCAAAGGCAG-3'
Protein context (NP_689606.2, residues 442-462): WGESDPLPYV[Val452Ala]YGHTVLSHMD